The following is an entry in ClinVar:

ClinVar aggregate classification (germline): Uncertain significance (1 of 4 stars; one submission).

Submission:

GeneDx
Classification: Uncertain significance. Last evaluated: 2022-10-03. Review status: criteria provided, single submitter. Criteria: GeneDx Variant Classification Process June 2021. Collection method: clinical testing. Allele origin: germline. Affected: yes.
Comment: Not observed at significant frequency in large population cohorts (gnomAD); In silico analysis supports that this missense variant has a deleterious effect on protein structure/function; Has not been previously published as pathogenic or benign to our knowledge

NM_002430.3(MN1):c.3274G>T (p.Gly1092Trp)

Gene: MN1 (MN1 proto-oncogene, transcriptional regulator; minus strand). Cytogenetic location: 22q12.1.
Variant type: single nucleotide variant.
Coding change: c.3274G>T on transcript NM_002430.3 (MANE Select); coding-DNA position 3274, G replaced by T.
Protein change: p.Gly1092Trp; replaces glycine 1092 with tryptophan.
Molecular consequence: missense variant.
Genome position (GRCh38, 1-based): chr22:27,797,270, C>A on the plus strand (G>T on the coding strand, the complement: MN1 is on the minus strand). VCF-style: chr22-27797270-C-A. GRCh37 (hg19) VCF-style: chr22-28193258-C-A.
Other names: short protein forms G1092W.
Identifiers: ClinVar variation 2497767 (VCV002497767.1), dbSNP rs771925230, ClinGen allele CA411043077.
Genomic context (GRCh38, chr22:27,797,270, plus strand): 5'-TAGAGTTAGACATGATGCCCAGGCCGAGGGCGGGCGGGGGCGCCTTCGGTCCGTGTTCCC[C>A]GGCGCCTACCCCACGGGGAGGGAGTTTGGGCGAGCCGGTCACCAGGGGACTCCTGCTCGC-3'
Protein context (NP_002421.3, residues 1082-1102): PKLPPRGVGA[Gly1092Trp]EHGPKAPPPA